The following is an entry in ClinVar:

NM_015915.5(ATL1):c.1556G>C (p.Ser519Thr)

Gene: ATL1 (atlastin GTPase 1; plus strand). Cytogenetic location: 14q22.1.
Variant type: single nucleotide variant.
Coding change: c.1556G>C on transcript NM_015915.5 (MANE Select); coding-DNA position 1556, G replaced by C.
Protein change: p.Ser519Thr; replaces serine 519 with threonine.
Molecular consequence: missense variant. On other transcripts: intron variant (2).
Genome position (GRCh38, 1-based): chr14:50,629,999, G>C. VCF-style: chr14-50629999-G-C. GRCh37 (hg19) VCF-style: chr14-51096717-G-C.
Other names: c.1551+1537G>C (NM_001127713.1, NM_181598.4); short protein forms S519T.
Identifiers: ClinVar variation 1694719 (VCV001694719.31), dbSNP rs751861796, ClinGen allele CA389677218.

ClinVar aggregate classification (germline): Uncertain significance (1 of 4 stars; one submission).

Submission:

CeGaT Center for Human Genetics Tuebingen
Classification: Uncertain significance. Last evaluated: 2022-05-01. Review status: criteria provided, single submitter. Criteria: CeGaT Center For Human Genetics Tuebingen Variant Classification Criteria Version 2. Collection method: clinical testing. Allele origin: germline. Affected: yes. Observed: 1 variant allele.
Comment: ATL1: PM2, PM5:Supporting, PP3